The following is an entry in ClinVar:

ClinVar aggregate classification (germline): Conflicting classifications of pathogenicity. Review status: criteria provided, conflicting classifications (1 of 4 stars). 5 submissions from 5 submitters: Likely pathogenic (1); Uncertain significance (3). 1 of the submissions does not count toward it. Last evaluated 2025-09-16.

Conditions:
Breast and/or ovarian cancer. Identifiers: MedGen CN221562.
Fanconi anemia complementation group J. Also called: BRIP1-Related Fanconi Anemia. Identifiers: Orphanet 84, MedGen C1836860, MONDO:0012187, OMIM 609054.
Familial cancer of breast. Also called: hereditary breast carcinoma; BREAST CANCER, FAMILIAL; Hereditary breast cancer. Identifiers: Orphanet 227535, MedGen C0346153, MONDO:0016419, OMIM 114480. Disease mechanism: loss of function.
Hereditary cancer-predisposing syndrome. Also called: Tumor predisposition; Hereditary Cancer Syndrome; Hereditary neoplastic syndrome; Neoplastic Syndromes, Hereditary. Identifiers: Orphanet 140162, MedGen C0027672, MeSH D009386, MONDO:0015356.

Submissions (5):

Labcorp Genetics (formerly Invitae), Labcorp
Classification: Uncertain significance for Familial cancer of breast; Fanconi anemia complementation group J. Last evaluated: 2025-09-16. Review status: criteria provided, single submitter. Criteria: Invitae Variant Classification Sherloc (09022015). Collection method: clinical testing. Allele origin: germline.
Comment: This sequence change affects the initiator codon of the BRIP1 mRNA. This change may impact translation initiation or efficiency. The next in-frame methionine is located at codon 4. This variant is not present in population databases (gnomAD no frequency). Disruption of the initiator codon has been observed in individual(s) with BRIP1-related conditions (PMID: 30322717, 31341520, 34326862, 38350919). ClinVar contains an entry for this variant (Variation ID: 234832). In summary, the available evidence is currently insufficient to determine the role of this variant in disease. Therefore, it has been classified as a Variant of Uncertain Significance.

Ambry Genetics
Classification: Uncertain significance for Hereditary cancer-predisposing syndrome. Last evaluated: 2025-04-23. Review status: criteria provided, single submitter. Criteria: Ambry Variant Classification Scheme 2023. Collection method: clinical testing. Allele origin: germline.
Comment: The c.1_2delAT variant, located in coding exon 1 of the BRIP1 gene, results from a deletion of two nucleotides at nucleotide positions 1 to 2, causing a translational frameshift with a predicted alternate stop codon (p.M1?). Variations that modify the initiation codon (ATG) are expected to result in either loss of translation initiation, N-terminal truncation, or cause a shift in the mRNA reading frame; however, there are in-frame methionines at 3 and 27 amino acids from the initiation site, which may result in N-terminal truncation of unknown functional significance. This alteration has been reported in women diagnosed with ovarian cancer (Arvai KJ et al. Hered Cancer Clin Pract. 2019 Jul;17:19; Lhotova K et al. Cancers (Basel) 2020 Apr;12:). Since supporting evidence is limited at this time, the clinical significance of this alteration remains unclear.

Quest Diagnostics Nichols Institute San Juan Capistrano
Classification: Uncertain significance. Last evaluated: 2024-07-12. Review status: criteria provided, single submitter. Criteria: Quest Diagnostics criteria. Collection method: clinical testing. Allele origin: unknown.
Comment: The BRIP1 c.1_2del variant disrupts the translation initiation codon of the BRIP1 mRNA and is predicted to interfere with BRIP1 protein synthesis. However, there are downstream alternate initiation codons that may rescue translation initiation. In the published literature, this variant has been reported in individuals with ovarian cancer (PMID: 30322717 (2018), 31341520 (2019)). This variant has not been reported in large, multi-ethnic general populations (Genome Aggregation Database). Based on the available information, we are unable to determine the clinical significance of this variant.

GeneDx
Classification: Likely pathogenic. Last evaluated: 2016-02-11. Review status: criteria provided, single submitter. Criteria: GeneDx Variant Classification (06012015). Collection method: clinical testing. Allele origin: germline. Affected: yes.
Comment: This deletion of two nucleotides is denoted BRIP1 c.1_2delAT at the cDNA level and alters the initiator Methionine codon. The resultant protein would be described as p.Met1?" to signify that it is not known if the loss of Met1 prevents all protein translation or if an abnormal protein is produced using an alternate Methionine codon. Although BRIP1 c.1_2delAT has not, to our knowledge, been previously published as pathogenic or benign, it is predicted to alter normal protein production. Based on the currently available evidence, we consider BRIP1 c.1_2delAT to be a likely pathogenic variant."

CZECANCA consortium
Classification: Pathogenic for Breast and/or ovarian cancer. Last evaluated: 2019-06-11. Review status: no assertion criteria provided. Collection method: clinical testing. Allele origin: germline. Affected: yes. Observed: 1 variant allele. Not counted in ClinVar's aggregate classification.

Literature cited by the submitters: PubMed 30322717 (cited by Labcorp Genetics (formerly Invitae), Labcorp and Quest Diagnostics Nichols Institute San Juan Capistrano); PubMed 31341520 (cited by 3 submitters); PubMed 34326862 (cited by Labcorp Genetics (formerly Invitae), Labcorp); PubMed 38350919 (cited by Labcorp Genetics (formerly Invitae), Labcorp); PubMed 32295079 (cited by Ambry Genetics and CZECANCA consortium).

NM_032043.3(BRIP1):c.1_2del (p.Met1fs)

Gene: BRIP1 (BRCA1 interacting DNA helicase 1; minus strand). Cytogenetic location: 17q23.2.
Variant type: Deletion.
Coding change: c.1_2del on transcript NM_032043.3 (MANE Select); coding-DNA positions 1 to 2, 2 bases deleted (AT; older notation c.1_2delAT).
Protein change: p.Met1fs; shifts the reading frame from methionine 1.
Molecular consequence: frameshift variant, initiator codon variant.
Genome position (GRCh38, 1-based): chr17:61,861,538-61,861,539, AT deleted on the plus strand (AT on the coding strand, the reverse complement: BRIP1 is on the minus strand); deleting any 2 consecutive bases within chr17:61,861,538-61,861,540 gives the same sequence; the c. name uses the placement nearest the transcript's 3' end. VCF-style (leftmost placement, unchanged base first): chr17-61861537-CAT-C. GRCh37 (hg19) VCF-style: chr17-59938898-CAT-C.
Other names: c.1_2delAT (NM_032043.3, NM_032043.2); c.1_2del (NM_032043.2); short protein forms M1fs.
Identifiers: ClinVar variation 234832 (VCV000234832.14), dbSNP rs876661246, ClinGen allele CA10577568.